The following is an entry in ClinVar:

NM_002024.6(FMR1):c.1527A>G (p.Glu509=)

Gene: FMR1 (fragile X messenger ribonucleoprotein 1; plus strand). Cytogenetic location: Xq27.3.
Variant type: single nucleotide variant.
Coding change: c.1527A>G on transcript NM_002024.6 (MANE Select); coding-DNA position 1527, A replaced by G.
Protein change: p.Glu509=; no amino-acid change (glutamic acid 509 retained).
Molecular consequence: synonymous variant. On other transcripts: non-coding transcript variant (2), intron variant (3).
Genome position (GRCh38, 1-based): chrX:147,944,924, A>G. VCF-style: chrX-147944924-A-G. GRCh37 (hg19) VCF-style: chrX-147026444-A-G.
Other names: c.1464A>G, p.Glu488= (NM_001185076.2); c.1276-20A>G (NM_001185075.2); c.1409-20A>G (NM_001185082.2); c.1213-20A>G (NM_001185081.2).
Identifiers: ClinVar variation 3778448 (VCV003778448.7).
Genomic context (GRCh38, chrX:147,944,924, plus strand): 5'-GATAGGAACTAATTCTGAAGCATCAAATGCTTCTGAAACAGAATCTGACCACAGAGACGA[A>G]CTCAGTGATTGGTCATTAGCTCCAACAGAGGAAGAGAGGGAGAGCTTCCTGCGCAGAGGA-3'
Protein context (NP_002015.1, residues 499-519): ASETESDHRD[Glu509=]LSDWSLAPTE

ClinVar aggregate classification (germline): Likely benign (1 of 4 stars; one submission).

Submission:

CeGaT Center for Human Genetics Tuebingen
Classification: Likely benign. Last evaluated: 2025-03-01. Review status: criteria provided, single submitter. Criteria: CeGaT Center For Human Genetics Tuebingen Variant Classification Criteria Version 2. Collection method: clinical testing. Allele origin: germline. Affected: yes. Observed: 1 variant allele.
Comment: FMR1: PM2:Supporting, BP4, BP7